The following is an entry in ClinVar:

NM_006231.4(POLE):c.2240G>C (p.Cys747Ser)

Gene: POLE (DNA polymerase epsilon, catalytic subunit; minus strand). Cytogenetic location: 12q24.33.
Variant type: single nucleotide variant.
Coding change: c.2240G>C on transcript NM_006231.4 (MANE Select); coding-DNA position 2240, G replaced by C.
Protein change: p.Cys747Ser; replaces cysteine 747 with serine.
Molecular consequence: missense variant.
Genome position (GRCh38, 1-based): chr12:132,667,582, C>G on the plus strand (G>C on the coding strand, the complement: POLE is on the minus strand). VCF-style: chr12-132667582-C-G. GRCh37 (hg19) VCF-style: chr12-133244168-C-G.
Other names: short protein forms C747S.
Identifiers: ClinVar variation 3638915 (VCV003638915.2).
Genomic context (GRCh38, chr12:132,667,582, plus strand): 5'-TCGTAACGCCTGTCCCGGAAGGCACGCACGGTGTCCACGTAGAAGGAGTTTTCCCGCTGG[C>G]AGATGGTGGTGAGACGCTCTTCCACCTTGGTGATGTGGATCTTCTTGTAGGCTTTCCGGC-3'
Protein context (NP_006222.2, residues 737-757): TKVEERLTTI[Cys747Ser]QRENSFYVDT

ClinVar aggregate classification (germline): Uncertain significance (1 of 4 stars; one submission).

Submission:

Labcorp Genetics (formerly Invitae), Labcorp
Classification: Uncertain significance. Last evaluated: 2024-02-05. Review status: criteria provided, single submitter. Criteria: Invitae Variant Classification Sherloc (09022015). Collection method: clinical testing. Allele origin: germline.
Comment: This sequence change replaces cysteine, which is neutral and slightly polar, with serine, which is neutral and polar, at codon 747 of the POLE protein (p.Cys747Ser). This variant is not present in population databases (gnomAD no frequency). This variant has not been reported in the literature in individuals affected with POLE-related conditions. Advanced modeling of protein sequence and biophysical properties (such as structural, functional, and spatial information, amino acid conservation, physicochemical variation, residue mobility, and thermodynamic stability) performed at Invitae indicates that this missense variant is expected to disrupt POLE protein function with a positive predictive value of 80%. In summary, the available evidence is currently insufficient to determine the role of this variant in disease. Therefore, it has been classified as a Variant of Uncertain Significance.